The following is an entry in ClinVar:

ClinVar aggregate classification (germline): Pathogenic (1 of 4 stars; one submission).

Conditions:
Early-infantile DEE. Also called: Early infantile epileptic encephalopathy; Early infantile epileptic encephalopathy with suppression bursts; Ohtahara syndrome. Identifiers: Orphanet 1934, MedGen C0393706, MONDO:0800491.

Submission:

Labcorp Genetics (formerly Invitae), Labcorp
Classification: Pathogenic for Early-infantile DEE. Last evaluated: 2023-11-22. Review status: criteria provided, single submitter. Criteria: Invitae Variant Classification Sherloc (09022015). Collection method: clinical testing. Allele origin: germline.
Comment: This sequence change replaces phenylalanine, which is neutral and non-polar, with valine, which is neutral and non-polar, at codon 100 of the SCN1A protein (p.Phe100Val). This variant is not present in population databases (gnomAD no frequency). This missense change has been observed in individual(s) with autosomal dominant SCN1A-related conditions (PMID: 31164858). In at least one individual the variant was observed to be de novo. ClinVar contains an entry for this variant (Variation ID: 2418887). Advanced modeling of protein sequence and biophysical properties (such as structural, functional, and spatial information, amino acid conservation, physicochemical variation, residue mobility, and thermodynamic stability) performed at Invitae indicates that this missense variant is expected to disrupt SCN1A protein function with a positive predictive value of 95%. For these reasons, this variant has been classified as Pathogenic.

Literature cited by the submitters: PubMed 31164858.

NM_001165963.4(SCN1A):c.298T>G (p.Phe100Val)

Gene: SCN1A (sodium voltage-gated channel alpha subunit 1; minus strand). Cytogenetic location: 2q24.3.
Variant type: single nucleotide variant.
Coding change: c.298T>G on transcript NM_001165963.4 (MANE Select); coding-DNA position 298, T replaced by G.
Protein change: p.Phe100Val; replaces phenylalanine 100 with valine.
Molecular consequence: missense variant. On other transcripts: 5 prime UTR variant (1), non-coding transcript variant (1).
Genome position (GRCh38, 1-based): chr2:166,058,655, A>C on the plus strand (T>G on the coding strand, the complement: SCN1A is on the minus strand). VCF-style: chr2-166058655-A-C. GRCh37 (hg19) VCF-style: chr2-166915165-A-C.
Other names: c.298T>G, p.Phe100Val (NM_001165964.3, NM_001202435.3, NM_001353948.2 and 10 more transcripts); c.-2128T>G (NM_001353961.2); short protein forms F100V.
Identifiers: ClinVar variation 2418887 (VCV002418887.6), dbSNP rs2468272850, ClinGen allele CA349077160.
Genomic context (GRCh38, chr2:166,058,655, plus strand): 5'-TTTTCCTAAGAGGATTGAAGGGAGTTAAAATGTACAGGGCAGAGGTGGCACTGAACCGGA[A>C]GATGGCCTTCCCTTTATTCAATACTATAAAAGTCTGTAAGACAGGAACACAACATAGAAG-3'
Protein context (NP_001159435.1, residues 90-110): FIVLNKGKAI[Phe100Val]RFSATSALYI